The following is an entry in ClinVar:

NM_004046.6(ATP5F1A):c.140-198A>G

Gene: ATP5F1A (ATP synthase F1 subunit alpha; minus strand). Cytogenetic location: 18q21.1.
Variant type: single nucleotide variant.
Coding change: c.140-198A>G on transcript NM_004046.6 (MANE Select); 198 bases into the intron before coding-DNA position 140, A replaced by G.
Molecular consequence: intron variant.
Genome position (GRCh38, 1-based): chr18:46,092,049, T>C on the plus strand (A>G on the coding strand, the complement: ATP5F1A is on the minus strand). VCF-style: chr18-46092049-T-C. GRCh37 (hg19) VCF-style: chr18-43672015-T-C.
Other names: c.140-198A>G (NM_001001937.2, NM_001257334.2); c.-11-198A>G (NM_001001935.3, NM_001257335.2).
Identifiers: ClinVar variation 683322 (VCV000683322.2), dbSNP rs9954278, ClinGen allele CA14516034.

ClinVar aggregate classification (germline): Benign. Review status: criteria provided, multiple submitters, no conflicts (2 of 4 stars). 2 submissions from 2 submitters: Benign (2). Last evaluated 2018-06-14.

Allele frequency attached by ClinVar (database versions not stated): 1000 Genomes Project 0.31769; 1000 Genomes Project 30x 0.32480; TOPMed 0.37865; gnomAD 0.38760 and 0.38991; gnomAD exomes 0.40595.
gnomAD v4.1: 141,567 of 355,126 alleles (40%); highest among the groups gnomAD compares: Middle Eastern, 54%; 29,454 homozygotes.

Submissions (2):

GeneDx
Classification: Benign. Last evaluated: 2018-06-14. Review status: criteria provided, single submitter. Criteria: GeneDx Variant Classification (06012015). Collection method: clinical testing. Allele origin: germline. Affected: yes.
Comment: This variant is considered likely benign or benign based on one or more of the following criteria: it is a conservative change, it occurs at a poorly conserved position in the protein, it is predicted to be benign by multiple in silico algorithms, and/or has population frequency not consistent with disease.

Breakthrough Genomics
Classification: Benign. Review status: criteria provided, single submitter. Criteria: ACMG Guidelines, 2015. Collection method: not provided. Allele origin: germline. Inheritance: Autosomal recessive inheritance. Affected: yes.